The following is an entry in ClinVar:

NM_001041.4(SI):c.3063G>A (p.Glu1021=)

Gene: SI (sucrase-isomaltase; minus strand). Cytogenetic location: 3q26.1.
Variant type: single nucleotide variant.
Coding change: c.3063G>A on transcript NM_001041.4 (MANE Select); coding-DNA position 3063, G replaced by A.
Protein change: p.Glu1021=; no amino-acid change (glutamic acid 1021 retained).
Molecular consequence: synonymous variant.
Genome position (GRCh38, 1-based): chr3:165,023,606, C>T on the plus strand (G>A on the coding strand, the complement: SI is on the minus strand). VCF-style: chr3-165023606-C-T. GRCh37 (hg19) VCF-style: chr3-164741394-C-T.
Identifiers: ClinVar variation 1045617 (VCV001045617.10), dbSNP rs201835284, ClinGen allele CA2690404.

ClinVar aggregate classification (germline): Uncertain significance (1 of 4 stars; one submission).

Allele frequency attached by ClinVar (database versions not stated): gnomAD 0.00001; gnomAD exomes 0.00001 and 0.00002; TOPMed 0.00001; ExAC 0.00002.
gnomAD v4.1: 8 of 1,610,476 alleles (0.0005%); highest among the groups gnomAD compares: South Asian, 0.0066%; no homozygotes.

Submission:

Labcorp Genetics (formerly Invitae), Labcorp
Classification: Uncertain significance. Last evaluated: 2022-06-27. Review status: criteria provided, single submitter. Criteria: Invitae Variant Classification Sherloc (09022015). Collection method: clinical testing. Allele origin: germline.
Comment: Algorithms developed to predict the effect of sequence changes on RNA splicing suggest that this variant may disrupt the consensus splice site. ClinVar contains an entry for this variant (Variation ID: 1045617). This variant has not been reported in the literature in individuals affected with SI-related conditions. This variant is present in population databases (rs201835284, gnomAD 0.01%). This sequence change affects codon 1021 of the SI mRNA. It is a 'silent' change, meaning that it does not change the encoded amino acid sequence of the SI protein. In summary, the available evidence is currently insufficient to determine the role of this variant in disease. Therefore, it has been classified as a Variant of Uncertain Significance.